The following is an entry in ClinVar:

NM_020738.4(KIDINS220):c.4386A>G (p.Ser1462=)

Gene: KIDINS220 (kinase D interacting substrate 220; minus strand). Cytogenetic location: 2p25.1.
Variant type: single nucleotide variant.
Coding change: c.4386A>G on transcript NM_020738.4 (MANE Select); coding-DNA position 4386, A replaced by G.
Protein change: p.Ser1462=; no amino-acid change (serine 1462 retained).
Molecular consequence: synonymous variant. On other transcripts: intron variant (6).
Genome position (GRCh38, 1-based): chr2:8,731,650, T>C on the plus strand (A>G on the coding strand, the complement: KIDINS220 is on the minus strand). VCF-style: chr2-8731650-T-C. GRCh37 (hg19) VCF-style: chr2-8871780-T-C.
Other names: c.4389A>G, p.Ser1463= (NM_001348729.2); c.4332A>G, p.Ser1444= (NM_001348731.2); c.4329A>G, p.Ser1443= (NM_001348732.2); c.4218A>G, p.Ser1406= (NM_001348734.2); c.4215A>G, p.Ser1405= (NM_001348735.2); c.4089A>G, p.Ser1363= (NM_001348736.2); c.3882+1794A>G (NM_001348741.2, NM_001348742.2, NM_001348743.2); c.3996+1794A>G (NM_001348738.2); and 1 more.
Identifiers: ClinVar variation 4994122 (VCV004994122.1).

ClinVar aggregate classification (germline): Likely benign (1 of 4 stars; one submission).

Conditions:
KIDINS220-related disorder. Also called: KIDINS220-related condition.

gnomAD v4.1: 3 of 1,614,194 alleles (0.00019%); highest among the groups gnomAD compares: Non-Finnish European, 0.00017%; no homozygotes.

Submission:

PreventionGenetics, part of Exact Sciences
Classification: Likely benign for KIDINS220-related condition. Last evaluated: 2026-06-01. Review status: criteria provided, single submitter. Criteria: ACMG Guidelines, 2015. Collection method: clinical testing. Allele origin: germline.
Comment: This variant is classified as likely benign based on ACMG/AMP sequence variant interpretation guidelines (Richards et al. 2015 PMID: 25741868, with internal and published modifications).